The following is an entry in ClinVar:

ClinVar aggregate classification (germline): Uncertain significance (1 of 4 stars; one submission).

gnomAD v4.1: 4 of 1,614,136 alleles (0.00025%); highest among the groups gnomAD compares: South Asian, 0.0011%; no homozygotes.

Submission:

Labcorp Genetics (formerly Invitae), Labcorp
Classification: Uncertain significance. Last evaluated: 2025-09-16. Review status: criteria provided, single submitter. Criteria: Invitae Variant Classification Sherloc (09022015). Collection method: clinical testing. Allele origin: germline.
Comment: This sequence change replaces glutamic acid, which is acidic and polar, with lysine, which is basic and polar, at codon 863 of the NSD1 protein (p.Glu863Lys). This variant is present in population databases (rs755866685, gnomAD 0.003%). This variant has not been reported in the literature in individuals affected with NSD1-related conditions. Invitae Evidence Modeling of protein sequence and biophysical properties (such as structural, functional, and spatial information, amino acid conservation, physicochemical variation, residue mobility, and thermodynamic stability) has been performed for this missense variant. However, the output from this modeling did not meet the statistical confidence thresholds required to predict the impact of this variant on NSD1 protein function. In summary, the available evidence is currently insufficient to determine the role of this variant in disease. Therefore, it has been classified as a Variant of Uncertain Significance.

NM_022455.5(NSD1):c.2587G>A (p.Glu863Lys)

Gene: NSD1 (nuclear receptor binding SET domain protein 1; plus strand). Cytogenetic location: 5q35.3.
Variant type: single nucleotide variant.
Coding change: c.2587G>A on transcript NM_022455.5 (MANE Select); coding-DNA position 2587, G replaced by A.
Protein change: p.Glu863Lys; replaces glutamic acid 863 with lysine.
Molecular consequence: missense variant.
Genome position (GRCh38, 1-based): chr5:177,210,986, G>A. VCF-style: chr5-177210986-G-A. GRCh37 (hg19) VCF-style: chr5-176637987-G-A.
Other names: c.1714G>A, p.Glu572Lys (NM_001365684.2, NM_001409306.1, NM_001409307.1 and 3 more transcripts); c.2587G>A, p.Glu863Lys (NM_001409301.1, NM_001409302.1, NM_001409303.1); c.2167G>A, p.Glu723Lys (NM_001409304.1); c.1834G>A, p.Glu612Lys (NM_001409305.1); short protein forms E572K, E612K, E723K, E863K.
Identifiers: ClinVar variation 4807653 (VCV004807653.1).
Genomic context (GRCh38, chr5:177,210,986, plus strand): 5'-CATGAGAAAACCAGGGATTCAAGTGACATAGAAACAGCAGTGGTGAAACATGTTTTATCC[G>A]AGTTGAAGGAACTCTCTTACAGATCCTTAGGTGAGGATGTCAGTGACTCTGGAACATCAA-3'
Protein context (NP_071900.2, residues 853-873): ETAVVKHVLS[Glu863Lys]LKELSYRSLG